The following is an entry in ClinVar:

NM_000059.4(BRCA2):c.8487G>T (p.Gln2829His)

Gene: BRCA2 (BRCA2 DNA repair associated; plus strand). Cytogenetic location: 13q13.1.
Variant type: single nucleotide variant.
Coding change: c.8487G>T on transcript NM_000059.4 (MANE Select); coding-DNA position 8487, G replaced by T.
Protein change: p.Gln2829His; replaces glutamine 2829 with histidine.
Molecular consequence: missense variant. On other transcripts: non-coding transcript variant (1).
Genome position (GRCh38, 1-based): chr13:32,370,557, G>T. VCF-style: chr13-32370557-G-T. GRCh37 (hg19) VCF-style: chr13-32944694-G-T.
Other names: c.8391G>T, p.Gln2797His (NM_001406719.1); c.8487G>T, p.Gln2829His (NM_001406720.1, NM_001432077.1); c.3555G>T, p.Gln1185His (NM_001406721.1); c.2070G>T, p.Gln690His (NM_001406722.1); short protein forms Q1185H, Q2797H, Q2829H, Q690H.
Identifiers: ClinVar variation 5033227 (VCV005033227.1).

ClinVar aggregate classification (germline): Likely pathogenic (1 of 4 stars; one submission).

Conditions:
Hereditary cancer-predisposing syndrome. Also called: Neoplastic Syndromes, Hereditary; Tumor predisposition; Hereditary neoplastic syndrome; Hereditary Cancer Syndrome. Identifiers: Orphanet 140162, MedGen C0027672, MeSH D009386, MONDO:0015356.

Submission:

Ambry Genetics
Classification: Likely pathogenic for Hereditary cancer-predisposing syndrome. Last evaluated: 2026-08-31. Review status: criteria provided, single submitter. Criteria: Ambry Variant Classification Scheme 2023. Collection method: clinical testing. Allele origin: germline.
Comment: The c.8487G>T variant (also known as p.Q2829H), located in coding exon 18 of the BRCA2 gene, results from a G to T substitution at nucleotide position 8487. The amino acid change results in glutamine to histidine at codon 2829, an amino acid with highly similar properties. However, this change occurs in the last base pair of coding exon 18, which makes it likely to have some effect on normal mRNA splicing. In silico splice site analysis predicts that this alteration will weaken the native splice donor site. RNA studies have demonstrated that this variant results in abnormal splicing in the set of samples tested (Ambry internal data; Bozsik A et al. Cancer Res Treat, 2022 Oct;54:970-984). Two saturation genome editing-based studies, including a haploid cell-survival assay and a humanized mouse embryonic stem cell line assay of drug response and survival, demonstrate that this nucleotide substitution is non-functional (Huang H et al. Nature. 2025 Feb;638(8050):528-537; Sahu S et al. Nature. 2025 Feb;638(8050):538-545). This variant is considered to be rare based on population cohorts in the Genome Aggregation Database (gnomAD). Based on the majority of available evidence to date, this variant is likely to be pathogenic.

Literature cited by the submitters: PubMed 35167739; PubMed 39779848; PubMed 39779857.